The following is an entry in ClinVar:

ClinVar aggregate classification (germline): Uncertain significance (1 of 4 stars; one submission).

Conditions:
Menke-Hennekam syndrome 2 (MKHK2). Identifiers: MedGen C5193035, MONDO:0020769, OMIM 618333.
Rubinstein-Taybi syndrome due to EP300 haploinsufficiency. Also called: EP300-Related Rubinstein-Taybi Syndrome; RUBINSTEIN-TAYBI SYNDROME 2. Identifiers: Orphanet 353284, Orphanet 783, MedGen C3150941, MONDO:0013364, OMIM 613684.
Colorectal cancer. Also called: Malignant Colorectal Neoplasm; Colorectal cancer, somatic. Identifiers: MedGen C0346629, MONDO:0005575, OMIM 114500.

Submission:

Juno Genomics, Hangzhou Juno Genomics, Inc
Classification: Uncertain significance for Rubinstein-Taybi syndrome due to EP300 haploinsufficiency; Colorectal cancer; Menke-Hennekam syndrome 2. Review status: criteria provided, single submitter. Criteria: ACMG Guidelines, 2015. Collection method: clinical testing. Allele origin: germline.
Comment: Absent from controls (or at extremely low frequency if recessive) in Genome Aggregation Database.;Multiple lines of computational evidence support a deleterious effect on the gene or gene product.

NM_001429.4(EP300):c.4162C>T (p.Pro1388Ser)

Gene: EP300 (EP300 lysine acetyltransferase; plus strand). Cytogenetic location: 22q13.2.
Variant type: single nucleotide variant.
Coding change: c.4162C>T on transcript NM_001429.4 (MANE Select); coding-DNA position 4162, C replaced by T.
Protein change: p.Pro1388Ser; replaces proline 1388 with serine.
Molecular consequence: missense variant.
Genome position (GRCh38, 1-based): chr22:41,168,857, C>T. VCF-style: chr22-41168857-C-T. GRCh37 (hg19) VCF-style: chr22-41564861-C-T.
Other names: c.4084C>T, p.Pro1362Ser (NM_001362843.2); short protein forms P1362S, P1388S.
Identifiers: ClinVar variation 5019395 (VCV005019395.2).